The following is an entry in ClinVar:

NM_005476.7(GNE):c.556T>C (p.Tyr186His)

Gene: GNE (glucosamine (UDP-N-acetyl)-2-epimerase/N-acetylmannosamine kinase; minus strand). Cytogenetic location: 9p13.3.
Variant type: single nucleotide variant.
Coding change: c.556T>C on transcript NM_005476.7 (MANE Select); coding-DNA position 556, T replaced by C.
Protein change: p.Tyr186His; replaces tyrosine 186 with histidine.
Molecular consequence: missense variant.
Genome position (GRCh38, 1-based): chr9:36,246,091, A>G on the plus strand (T>C on the coding strand, the complement: GNE is on the minus strand). VCF-style: chr9-36246091-A-G. GRCh37 (hg19) VCF-style: chr9-36246088-A-G.
Other names: c.649T>C, p.Tyr217His (NM_001128227.3); c.556T>C, p.Tyr186His (NM_001190383.3, NM_001374797.1); c.379T>C, p.Tyr127His (NM_001190384.3, NM_001190388.2, NM_001374798.1); short protein forms Y217H, Y127H, Y186H.
Identifiers: ClinVar variation 2136776 (VCV002136776.8), dbSNP rs2489786253, ClinGen allele CA373418165.

ClinVar aggregate classification (germline): Pathogenic/Likely pathogenic. Review status: criteria provided, multiple submitters, no conflicts (2 of 4 stars). 4 submissions from 4 submitters: Pathogenic (2); Likely pathogenic (2). Last evaluated 2026-01-26.

Conditions:
GNE myopathy (NM). Also called: IBM 2; Inclusion body myopathy autosomal recessive; Inclusion body myopathy quadriceps sparing; INCLUSION BODY MYOPATHY, HEREDITARY, AUTOSOMAL RECESSIVE; INCLUSION BODY MYOPATHY 2, AUTOSOMAL RECESSIVE; MYOPATHY, DISTAL, WITH OR WITHOUT RIMMED VACUOLES. Identifiers: Orphanet 602, MedGen C1853926, MONDO:0011603, OMIM 605820.
Sialuria. Also called: SIALURIA, FRENCH TYPE; Sialic Acid Storage Disease. Identifiers: Orphanet 3166, MedGen C0342853, MONDO:0010028, OMIM 269921.

Submissions (4):

Medical and Scientific Branch, Hong Kong Genome Institute
Classification: Likely pathogenic for GNE myopathy. Last evaluated: 2026-01-26. Review status: criteria provided, single submitter. Criteria: ACMG Guidelines, 2015. Collection method: clinical testing. Allele origin: unknown. Affected: yes.

Women's Health and Genetics/Laboratory Corporation of America, LabCorp
Classification: Pathogenic for GNE myopathy. Last evaluated: 2024-07-30. Review status: criteria provided, single submitter. Criteria: LabCorp Variant Classification Summary - May 2015. Collection method: clinical testing. Allele origin: germline.
Comment: Variant summary: GNE c.649T>C (p.Tyr217His) results in a conservative amino acid change located in the UDP-N-acetylglucosamine 2-epimerase domain (IPR003331) of the encoded protein sequence. Four of five in-silico tools predict a damaging effect of the variant on protein function. The variant was absent in 251308 control chromosomes. c.649T>C has been reported in the literature in multiple individuals affected with GNE myopathy (Lv_NS_2022). These data indicate that the variant is very likely to be associated with disease. The following publication has been ascertained in the context of this evaluation (PMID: 35138478). ClinVar contains an entry for this variant (Variation ID: 2136776). Based on the evidence outlined above, the variant was classified as pathogenic.

Labcorp Genetics (formerly Invitae), Labcorp
Classification: Pathogenic for Sialuria; GNE myopathy. Last evaluated: 2022-01-26. Review status: criteria provided, single submitter. Criteria: Invitae Variant Classification Sherloc (09022015). Collection method: clinical testing. Allele origin: germline.
Comment: This variant is also known as c.556T>C (p.Y186H). This sequence change replaces tyrosine, which is neutral and polar, with histidine, which is basic and polar, at codon 217 of the GNE protein (p.Tyr217His). This variant is not present in population databases (gnomAD no frequency). This missense change has been observed in individuals with autosomal recessive distal myopathy (PMID: 24737350, 25986339, 30390020). Algorithms developed to predict the effect of missense changes on protein structure and function (SIFT, PolyPhen-2, Align-GVGD) all suggest that this variant is likely to be disruptive. This variant disrupts the p.Tyr217 amino acid residue in GNE. Other variant(s) that disrupt this residue have been observed in individuals with GNE-related conditions (PMID: 23437777), which suggests that this may be a clinically significant amino acid residue. For these reasons, this variant has been classified as Pathogenic.

Juno Genomics, Hangzhou Juno Genomics, Inc
Classification: Likely pathogenic for GNE myopathy. Review status: criteria provided, single submitter. Criteria: ACMG Guidelines, 2015. Collection method: clinical testing. Allele origin: germline.
Comment: Absent from controls (or at extremely low frequency if recessive) in Genome Aggregation Database.;Multiple lines of computational evidence support a deleterious effect on the gene or gene product.;Missense variant in a gene that has a low rate of benign missense variation.;For recessive disorders, detected in trans with a pathogenic variant.

Literature cited by the submitters: PubMed 35138478 (cited by Women's Health and Genetics/Laboratory Corporation of America, LabCorp); PubMed 24737350 (cited by Labcorp Genetics (formerly Invitae), Labcorp); PubMed 25986339 (cited by Labcorp Genetics (formerly Invitae), Labcorp); PubMed 30390020 (cited by Labcorp Genetics (formerly Invitae), Labcorp); PubMed 23437777 (cited by Labcorp Genetics (formerly Invitae), Labcorp).